The following is an entry in ClinVar:

NM_002878.4(RAD51D):c.738+2T>C

Genes: RAD51D (RAD51 paralog D; minus strand), RAD51L3-RFFL (RAD51L3-RFFL readthrough; minus strand). Cytogenetic location: 17q12.
Variant type: single nucleotide variant.
Coding change: c.738+2T>C on transcript NM_002878.4 (MANE Select); the canonical splice donor site of the intron after coding-DNA position 738, T replaced by C.
Molecular consequence: splice donor variant.
Genome position (GRCh38, 1-based): chr17:35,103,252, A>G on the plus strand (T>C on the coding strand, the complement: RAD51D is on the minus strand). VCF-style: chr17-35103252-A-G. GRCh37 (hg19) VCF-style: chr17-33430271-A-G.
Other names: c.402+2T>C (NM_133629.3); c.798+2T>C (NM_001142571.2).
Identifiers: ClinVar variation 2861844 (VCV002861844.3), dbSNP rs1597858201, ClinGen allele CA399087459.

ClinVar aggregate classification (germline): Likely pathogenic (1 of 4 stars; one submission).

Conditions:
Breast-ovarian cancer, familial, susceptibility to, 4. Identifiers: Orphanet 145, MedGen C3280345, MONDO:0013669, OMIM 614291.

Submission:

Labcorp Genetics (formerly Invitae), Labcorp
Classification: Likely pathogenic for Breast-ovarian cancer, familial, susceptibility to, 4. Last evaluated: 2023-06-27. Review status: criteria provided, single submitter. Criteria: Invitae Variant Classification Sherloc (09022015). Collection method: clinical testing. Allele origin: germline.
Comment: This sequence change affects a donor splice site in intron 8 of the RAD51D gene. RNA analysis indicates that disruption of this splice site induces altered splicing and may result in an absent or disrupted protein product. This variant is not present in population databases (gnomAD no frequency). Disruption of this splice site has been observed in individual(s) with ovarian cancer (PMID: 30111881). Studies have shown that disruption of this splice site results in partial retention of 37 nucleotides from intron 8 and introduces a premature termination codon (PMID: 30111881). The resulting mRNA is expected to undergo nonsense-mediated decay. In summary, the currently available evidence indicates that the variant is pathogenic, but additional data are needed to prove that conclusively. Therefore, this variant has been classified as Likely Pathogenic.

Literature cited by the submitters: PubMed 30111881.